The following is an entry in ClinVar:

NM_018429.3(BDP1):c.220A>C (p.Lys74Gln)

Gene: BDP1 (BDP1 general transcription factor IIIB subunit; plus strand). Cytogenetic location: 5q13.2.
Variant type: single nucleotide variant.
Coding change: c.220A>C on transcript NM_018429.3 (MANE Select); coding-DNA position 220, A replaced by C.
Protein change: p.Lys74Gln; replaces lysine 74 with glutamine.
Molecular consequence: missense variant.
Genome position (GRCh38, 1-based): chr5:71,458,586, A>C. VCF-style: chr5-71458586-A-C. GRCh37 (hg19) VCF-style: chr5-70754413-A-C.
Other names: short protein forms K74Q.
Identifiers: ClinVar variation 4981781 (VCV004981781.1).
Genomic context (GRCh38, chr5:71,458,586, plus strand): 5'-CATGTGTAACAGAAGATTCATGTGCCCTCTTTTTTCTTTTTTAATTTCAACAGTACTGAA[A>C]AGACTGGTGGTGACAATGATGTTGAAGAATCCAGTAGATCTTCCTCTACTGTTTCACAGA-3'
Protein context (NP_060899.2, residues 64-84): QEKAPRSSTE[Lys74Gln]TGGDNDVEES

ClinVar aggregate classification (germline): Uncertain significance (1 of 4 stars; one submission).

Conditions:
BDP1-related disorder. Also called: BDP1-related condition.

Submission:

PreventionGenetics, part of Exact Sciences
Classification: Uncertain significance for BDP1-related condition. Last evaluated: 2026-06-25. Review status: criteria provided, single submitter. Criteria: ACMG Guidelines, 2015. Collection method: clinical testing. Allele origin: germline.
Comment: The BDP1 c.220A>C variant is predicted to result in the amino acid substitution p.Lys74Gln. To our knowledge, this variant has not been reported in the literature or in a large population database (gnomAD), indicating this variant is rare. At this time, the clinical significance of this variant is uncertain due to the absence of conclusive functional and genetic evidence.